The following is an entry in ClinVar:

NM_006379.5(SEMA3C):c.1255T>A (p.Leu419Met)

Gene: SEMA3C (semaphorin 3C; minus strand). Cytogenetic location: 7q21.11.
Variant type: single nucleotide variant.
Coding change: c.1255T>A on transcript NM_006379.5 (MANE Select); coding-DNA position 1255, T replaced by A.
Protein change: p.Leu419Met; replaces leucine 419 with methionine.
Molecular consequence: missense variant.
Genome position (GRCh38, 1-based): chr7:80,789,405, A>T on the plus strand (T>A on the coding strand, the complement: SEMA3C is on the minus strand). VCF-style: chr7-80789405-A-T. GRCh37 (hg19) VCF-style: chr7-80418721-A-T.
Other names: c.1309T>A, p.Leu437Met (NM_001350120.2); c.1081T>A, p.Leu361Met (NM_001350121.2); c.1309T>A (NM_001350120.1); short protein forms L361M, L437M, L419M.
Identifiers: ClinVar variation 2314022 (VCV002314022.3), dbSNP rs2536080548, ClinGen allele CA367865775.

ClinVar aggregate classification (germline): Uncertain significance. Review status: criteria provided, multiple submitters, no conflicts (2 of 4 stars). 2 submissions from 2 submitters: Uncertain significance (2). Last evaluated 2025-06-13.

Conditions:
SEMA3C-related disorder. Also called: SEMA3C-related condition.

Allele frequency attached by ClinVar (database versions not stated): gnomAD exomes below 0.00001.
gnomAD v4.1: 1 of 1,614,024 alleles (0.000062%); highest among the groups gnomAD compares: Admixed American, 0.0017%; no homozygotes.

Submissions (2):

PreventionGenetics, part of Exact Sciences
Classification: Uncertain significance for SEMA3C-related condition. Last evaluated: 2025-06-13. Review status: criteria provided, single submitter. Criteria: ACMG Guidelines, 2015. Collection method: clinical testing. Allele origin: germline.
Comment: The SEMA3C c.1309T>A variant is predicted to result in the amino acid substitution p.Leu437Met. To our knowledge, this variant has not been reported in the literature or in a large population database (gnomAD), indicating this variant is rare. At this time, the clinical significance of this variant is uncertain due to the absence of conclusive functional and genetic evidence.

Ambry Genetics
Classification: Uncertain significance. Last evaluated: 2022-09-27. Review status: criteria provided, single submitter. Criteria: Ambry Variant Classification Scheme 2023. Collection method: clinical testing. Allele origin: germline.